The following is an entry in ClinVar:

NM_006302.3(MOGS):c.2175C>T (p.Pro725=)

Gene: MOGS (mannosyl-oligosaccharide glucosidase; minus strand). Cytogenetic location: 2p13.1.
Variant type: single nucleotide variant.
Coding change: c.2175C>T on transcript NM_006302.3 (MANE Select); coding-DNA position 2175, C replaced by T.
Protein change: p.Pro725=; no amino-acid change (proline 725 retained).
Molecular consequence: synonymous variant.
Genome position (GRCh38, 1-based): chr2:74,461,614, G>A on the plus strand (C>T on the coding strand, the complement: MOGS is on the minus strand). VCF-style: chr2-74461614-G-A. GRCh37 (hg19) VCF-style: chr2-74688741-G-A.
Other names: c.2175C>T (NM_006302.2); c.1857C>T, p.Pro619= (NM_001146158.2).
Identifiers: ClinVar variation 1556782 (VCV001556782.10), dbSNP rs757095000, ClinGen allele CA1724641.

ClinVar aggregate classification (germline): Likely benign. Review status: criteria provided, single submitter (1 of 4 stars). 2 submissions from 2 submitters: Likely benign (1). 1 of the submissions does not count toward it. Last evaluated 2022-11-01.

Conditions:
MOGS-related disorder. Also called: MOGS-related condition.
MOGS-congenital disorder of glycosylation. Also called: CDG 2B; CDG IIb; GLUCOSIDASE I DEFICIENCY; MOGS-CDG. Identifiers: Orphanet 79330, MedGen C1853736, MONDO:0011629, OMIM 606056.

Allele frequency attached by ClinVar (database versions not stated): gnomAD exomes below 0.00001 and 0.00001; ExAC 0.00001.
gnomAD v4.1: 2 of 1,614,008 alleles (0.00012%); highest among the groups gnomAD compares: African/African-American, 0.0013%; no homozygotes.

Submissions (2):

Labcorp Genetics (formerly Invitae), Labcorp
Classification: Likely benign for MOGS-congenital disorder of glycosylation. Last evaluated: 2022-11-01. Review status: criteria provided, single submitter. Criteria: Invitae Variant Classification Sherloc (09022015). Collection method: clinical testing. Allele origin: germline.

PreventionGenetics, part of Exact Sciences
Classification: Likely benign for MOGS-related condition. Last evaluated: 2020-06-05. Review status: no assertion criteria provided. Collection method: clinical testing. Allele origin: germline. Not counted in ClinVar's aggregate classification.
Comment: This variant is classified as likely benign based on ACMG/AMP sequence variant interpretation guidelines (Richards et al. 2015 PMID: 25741868, with internal and published modifications).